The following is an entry in ClinVar:

NM_032119.4(ADGRV1):c.17683G>A (p.Val5895Ile)

Gene: ADGRV1 (adhesion G protein-coupled receptor V1; plus strand). Cytogenetic location: 5q14.3.
Variant type: single nucleotide variant.
Coding change: c.17683G>A on transcript NM_032119.4 (MANE Select); coding-DNA position 17683, G replaced by A.
Protein change: p.Val5895Ile; replaces valine 5895 with isoleucine.
Molecular consequence: missense variant. On other transcripts: non-coding transcript variant (1).
Genome position (GRCh38, 1-based): chr5:90,855,829, G>A. VCF-style: chr5-90855829-G-A. GRCh37 (hg19) VCF-style: chr5-90151646-G-A.
Other names: short protein forms V5895I.
Identifiers: ClinVar variation 439394 (VCV000439394.12), dbSNP rs1025278736, ClinGen allele CA122810752.

ClinVar aggregate classification (germline): Uncertain significance. Review status: criteria provided, multiple submitters, no conflicts (2 of 4 stars). 2 submissions from 2 submitters: Uncertain significance (2). Last evaluated 2024-10-26.

Allele frequency attached by ClinVar (database versions not stated): gnomAD exomes below 0.00001; TOPMed 0.00002.
gnomAD v4.1: 7 of 1,612,790 alleles (0.00043%); highest among the groups gnomAD compares: Non-Finnish European, 0.00034%; no homozygotes.

Submissions (2):

Labcorp Genetics (formerly Invitae), Labcorp
Classification: Uncertain significance. Last evaluated: 2024-10-26. Review status: criteria provided, single submitter. Criteria: Invitae Variant Classification Sherloc (09022015). Collection method: clinical testing. Allele origin: germline.
Comment: This sequence change replaces valine, which is neutral and non-polar, with isoleucine, which is neutral and non-polar, at codon 5895 of the ADGRV1 protein (p.Val5895Ile). This variant is present in population databases (no rsID available, gnomAD 0.004%). This variant has not been reported in the literature in individuals affected with ADGRV1-related conditions. ClinVar contains an entry for this variant (Variation ID: 439394). Invitae Evidence Modeling of protein sequence and biophysical properties (such as structural, functional, and spatial information, amino acid conservation, physicochemical variation, residue mobility, and thermodynamic stability) indicates that this missense variant is not expected to disrupt ADGRV1 protein function with a negative predictive value of 95%. In summary, the available evidence is currently insufficient to determine the role of this variant in disease. Therefore, it has been classified as a Variant of Uncertain Significance.

ARUP Laboratories, Molecular Genetics and Genomics, ARUP Laboratories
Classification: Uncertain significance. Last evaluated: 2017-05-02. Review status: criteria provided, single submitter. Criteria: ARUP Molecular Germline Variant Investigation Process. Collection method: clinical testing. Allele origin: germline.